The following is an entry in ClinVar:

NM_001386936.1(SIPA1L1):c.170C>A (p.Pro57His)

Gene: SIPA1L1 (signal induced proliferation associated 1 like 1; plus strand). Cytogenetic location: 14q24.2.
Variant type: single nucleotide variant.
Coding change: c.170C>A on transcript NM_001386936.1 (MANE Select); coding-DNA position 170, C replaced by A.
Protein change: p.Pro57His; replaces proline 57 with histidine.
Molecular consequence: missense variant. On other transcripts: intron variant (1).
Genome position (GRCh38, 1-based): chr14:71,588,042, C>A. VCF-style: chr14-71588042-C-A. GRCh37 (hg19) VCF-style: chr14-72054759-C-A.
Other names: c.170C>A, p.Pro57His (NM_015556.4, NM_001284245.3, NM_001284246.2 and 5 more transcripts); c.17-30715C>A (NM_001354289.2); short protein forms P57H.
Identifiers: ClinVar variation 777242 (VCV000777242.27), dbSNP rs148958695, ClinGen allele CA7252401.

ClinVar aggregate classification (germline): Likely benign. Review status: criteria provided, multiple submitters, no conflicts (2 of 4 stars). 3 submissions from 3 submitters: Likely benign (3). Last evaluated 2023-11-01.

Allele frequency attached by ClinVar (database versions not stated): 1000 Genomes Project 30x 0.00047; 1000 Genomes Project 0.00060; ExAC 0.00078; TOPMed 0.00087; ESP Exome Variant Server 0.00092; gnomAD exomes 0.00098; gnomAD 0.00114.
gnomAD v4.1: 1,407 of 1,614,114 alleles (0.087%); highest among the groups gnomAD compares: Non-Finnish European, 0.092%; 1 homozygote.

Submissions (3):

CeGaT Center for Human Genetics Tuebingen
Classification: Likely benign. Last evaluated: 2023-11-01. Review status: criteria provided, single submitter. Criteria: CeGaT Center For Human Genetics Tuebingen Variant Classification Criteria Version 2. Collection method: clinical testing. Allele origin: germline. Affected: yes. Observed: 1 variant allele.
Comment: SIPA1L1: BS1

Labcorp Genetics (formerly Invitae), Labcorp
Classification: Likely benign. Last evaluated: 2018-05-29. Review status: criteria provided, single submitter. Criteria: Invitae Variant Classification Sherloc (09022015). Collection method: clinical testing. Allele origin: germline.

Breakthrough Genomics
Classification: Likely benign. Review status: criteria provided, single submitter. Criteria: ACMG Guidelines, 2015. Collection method: not provided. Allele origin: germline. Inheritance: Unknown mechanism. Affected: yes.